The following is an entry in ClinVar:

ClinVar aggregate classification (germline): Benign/Likely benign. Review status: criteria provided, multiple submitters, no conflicts (2 of 4 stars). 3 submissions from 3 submitters: Benign (1); Likely benign (1). 1 of the submissions does not count toward it. Last evaluated 2025-09-27.

Conditions:
CACNA1H-related disorder.
Idiopathic generalized epilepsy. Also called: Generalised epilepsy; EIG. Identifiers: MedGen C0270850, MONDO:0005579, OMIM 600669.
Hyperaldosteronism, familial, type IV (HALD4). Also called: FH IV; ALDOSTERONISM, PRIMARY, AND HYPERTENSION. Identifiers: Orphanet 642671, MedGen C4310756, MONDO:0014875, OMIM 617027.

Allele frequency attached by ClinVar (database versions not stated): gnomAD 0.00001 and 0.00029; TOPMed 0.00004; gnomAD exomes 0.00058 and 0.00127; ExAC 0.00215; 1000 Genomes Project 30x 0.00219; 1000 Genomes Project 0.00240.
gnomAD v4.1: 890 of 1,596,614 alleles (0.056%); highest among the groups gnomAD compares: South Asian, 0.94%; 8 homozygotes.

Submissions (3):

Labcorp Genetics (formerly Invitae), Labcorp
Classification: Benign for Idiopathic generalized epilepsy; Hyperaldosteronism, familial, type IV. Last evaluated: 2025-09-27. Review status: criteria provided, single submitter. Criteria: Invitae Variant Classification Sherloc (09022015). Collection method: clinical testing. Allele origin: germline.

Blueprint Genetics
Classification: Likely benign. Last evaluated: 2024-11-21. Review status: criteria provided, single submitter. Criteria: ACMG Guidelines, 2015. Collection method: clinical testing. Allele origin: germline.

PreventionGenetics, part of Exact Sciences
Classification: Likely benign for CACNA1H-related condition. Last evaluated: 2019-03-25. Review status: no assertion criteria provided. Collection method: clinical testing. Allele origin: germline. Not counted in ClinVar's aggregate classification.
Comment: This variant is classified as likely benign based on ACMG/AMP sequence variant interpretation guidelines (Richards et al. 2015 PMID: 25741868, with internal and published modifications).

NM_021098.3(CACNA1H):c.5445+7G>A

Gene: CACNA1H (calcium voltage-gated channel subunit alpha1 H; plus strand). Cytogenetic location: 16p13.3.
Variant type: single nucleotide variant.
Coding change: c.5445+7G>A on transcript NM_021098.3 (MANE Select); 7 bases into the intron after coding-DNA position 5445, G replaced by A.
Molecular consequence: intron variant.
Genome position (GRCh38, 1-based): chr16:1,218,047, G>A. VCF-style: chr16-1218047-G-A. GRCh37 (hg19) VCF-style: chr16-1268047-G-A.
Other names: c.5427+7G>A (NM_001005407.2).
Identifiers: ClinVar variation 529693 (VCV000529693.15), dbSNP rs563361414, ClinGen allele CA7802013.
Genomic context (GRCh38, chr16:1,218,047, plus strand): 5'-TTCCTCACGCTGTTCCGCGTGTCCACGGGGGACAACTGGAACGGGATCATGAAGGTACCC[G>A]CCGCGGCCATGCCTCTGGCACCTGGCAGCCCCAGCGGTTTTTCAGGCTCTCCCAGGAACG-3'